The following is an entry in ClinVar:

ClinVar aggregate classification (germline): Uncertain significance (1 of 4 stars; one submission).

Conditions:
Sulfite oxidase deficiency. Also called: Isolated sulfite oxidase deficiency. Identifiers: Orphanet 833, Orphanet 99731, MedGen C0268624, MONDO:0010089, OMIM 272300, HP:0003643.

Allele frequency attached by ClinVar (database versions not stated): gnomAD exomes below 0.00001; TOPMed 0.00001.

Submission:

Labcorp Genetics (formerly Invitae), Labcorp
Classification: Uncertain significance for Sulfite oxidase deficiency. Last evaluated: 2022-10-23. Review status: criteria provided, single submitter. Criteria: Invitae Variant Classification Sherloc (09022015). Collection method: clinical testing. Allele origin: germline.
Comment: This sequence change replaces glycine, which is neutral and non-polar, with alanine, which is neutral and non-polar, at codon 239 of the SUOX protein (p.Gly239Ala). This variant is present in population databases (no rsID available, gnomAD 0.003%). This variant has not been reported in the literature in individuals affected with SUOX-related conditions. ClinVar contains an entry for this variant (Variation ID: 1383634). Algorithms developed to predict the effect of missense changes on protein structure and function are either unavailable or do not agree on the potential impact of this missense change (SIFT: "Deleterious"; PolyPhen-2: "Benign"; Align-GVGD: "Class C0"). In summary, the available evidence is currently insufficient to determine the role of this variant in disease. Therefore, it has been classified as a Variant of Uncertain Significance.

NM_001032386.2(SUOX):c.716G>C (p.Gly239Ala)

Gene: SUOX (sulfite oxidase; plus strand). Cytogenetic location: 12q13.2.
Variant type: single nucleotide variant.
Coding change: c.716G>C on transcript NM_001032386.2 (MANE Select); coding-DNA position 716, G replaced by C.
Protein change: p.Gly239Ala; replaces glycine 239 with alanine.
Molecular consequence: missense variant.
Genome position (GRCh38, 1-based): chr12:56,004,105, G>C. VCF-style: chr12-56004105-G-C. GRCh37 (hg19) VCF-style: chr12-56397889-G-C.
Other names: c.716G>C, p.Gly239Ala (NM_000456.3, NM_001032387.2); short protein forms G239A.
Identifiers: ClinVar variation 1383634 (VCV001383634.4), dbSNP rs979046306, ClinGen allele CA237605198.